The following is an entry in ClinVar:

NM_001273.5(CHD4):c.2578G>C (p.Ala860Pro)

Gene: CHD4 (chromodomain helicase DNA binding protein 4; minus strand). Cytogenetic location: 12p13.31.
Variant type: single nucleotide variant.
Coding change: c.2578G>C on transcript NM_001273.5 (MANE Select); coding-DNA position 2578, G replaced by C.
Protein change: p.Ala860Pro; replaces alanine 860 with proline.
Molecular consequence: missense variant.
Genome position (GRCh38, 1-based): chr12:6,593,165, C>G on the plus strand (G>C on the coding strand, the complement: CHD4 is on the minus strand). VCF-style: chr12-6593165-C-G. GRCh37 (hg19) VCF-style: chr12-6702331-C-G.
Other names: c.2557G>C, p.Ala853Pro (NM_001297553.2); c.2539G>C, p.Ala847Pro (NM_001363606.2); short protein forms A847P, A853P, A860P.
Identifiers: ClinVar variation 1308765 (VCV001308765.2), dbSNP rs2136215177, ClinGen allele CA383592052.

ClinVar aggregate classification (germline): Uncertain significance (1 of 4 stars; one submission).

Allele frequency attached by ClinVar (database versions not stated): gnomAD exomes below 0.00001.
gnomAD v4.1: 1 of 1,614,176 alleles (0.000062%); highest among the groups gnomAD compares: Non-Finnish European, 0.000085%; no homozygotes.

Submission:

GeneDx
Classification: Uncertain significance. Last evaluated: 2020-01-27. Review status: criteria provided, single submitter. Criteria: GeneDx Variant Classification Process June 2021. Collection method: clinical testing. Allele origin: germline. Affected: yes.
Comment: Not observed in large population cohorts (Lek et al., 2016); In silico analysis, which includes protein predictors and evolutionary conservation, supports a deleterious effect; Has not been previously published as pathogenic or benign to our knowledge